The following is an entry in ClinVar:

NM_000234.3(LIG1):c.1331+31G>C

Gene: LIG1 (DNA ligase 1; minus strand). Cytogenetic location: 19q13.33.
Variant type: single nucleotide variant.
Coding change: c.1331+31G>C on transcript NM_000234.3 (MANE Select); 31 bases into the intron after coding-DNA position 1331, G replaced by C.
Molecular consequence: intron variant.
Genome position (GRCh38, 1-based): chr19:48,136,977, C>G on the plus strand (G>C on the coding strand, the complement: LIG1 is on the minus strand). VCF-style: chr19-48136977-C-G. GRCh37 (hg19) VCF-style: chr19-48640234-C-G.
Other names: c.1238+31G>C (NM_001289063.2); c.1241+31G>C (NM_001320971.2); c.1127+31G>C (NM_001289064.2); c.1328+31G>C (NM_001320970.2).
Identifiers: ClinVar variation 2687922 (VCV002687922.2), dbSNP rs2288880, ClinGen allele CA9546863.

ClinVar aggregate classification (germline): Benign (1 of 4 stars; one submission).

Allele frequency attached by ClinVar (database versions not stated): ESP Exome Variant Server 0.13686; ExAC 0.14321; TOPMed 0.15015; 1000 Genomes Project 0.18371; 1000 Genomes Project 30x 0.18473.
gnomAD v4.1: 124,740 of 1,572,892 alleles (7.9%); highest among the groups gnomAD compares: African/African-American, 31%; 8,270 homozygotes.

Submission:

Unidad de Genómica Garrahan, Hospital de Pediatría Garrahan
Classification: Benign. Last evaluated: 2024-01-24. Review status: criteria provided, single submitter. Criteria: ACMG Guidelines, 2015. Collection method: clinical testing. Allele origin: germline. Affected: no. Observed: 19 variant alleles.
Comment: This variant is classified as Benign based on local population frequency. This variant was detected in 20% of patients studied by a panel of primary immunodeficiencies. Number of patients: 19. Only high quality variants are reported.